The following is an entry in ClinVar:

NM_173628.4(DNAH17):c.3577C>T (p.Gln1193Ter)

Gene: DNAH17 (dynein axonemal heavy chain 17; minus strand). Cytogenetic location: 17q25.3.
Variant type: single nucleotide variant.
Coding change: c.3577C>T on transcript NM_173628.4 (MANE Select); coding-DNA position 3577, C replaced by T.
Protein change: p.Gln1193Ter; replaces glutamine 1193 with a stop codon.
Molecular consequence: nonsense.
Genome position (GRCh38, 1-based): chr17:78,526,927, G>A on the plus strand (C>T on the coding strand, the complement: DNAH17 is on the minus strand). VCF-style: chr17-78526927-G-A. GRCh37 (hg19) VCF-style: chr17-76523009-G-A.
Other names: short protein forms Q1193*.
Identifiers: ClinVar variation 4534367 (VCV004534367.6).

ClinVar aggregate classification (germline): Pathogenic (1 of 4 stars; one submission).

gnomAD v4.1: 54 of 1,587,720 alleles (0.0034%); highest among the groups gnomAD compares: Non-Finnish European, 0.0043%; no homozygotes.

Submission:

CeGaT Center for Human Genetics Tuebingen
Classification: Pathogenic. Last evaluated: 2025-10-01. Review status: criteria provided, single submitter. Criteria: CeGaT Center For Human Genetics Tuebingen Variant Classification Criteria Version 2. Collection method: clinical testing. Allele origin: germline. Affected: yes. Observed: 1 variant allele.
Comment: DNAH17: PVS1, PM2